The following is an entry in ClinVar:

NM_001199138.2(NLRC4):c.1561C>T (p.Leu521Phe)

Gene: NLRC4 (NLR family CARD domain containing 4; minus strand). Cytogenetic location: 2p22.3.
Variant type: single nucleotide variant.
Coding change: c.1561C>T on transcript NM_001199138.2 (MANE Select); coding-DNA position 1561, C replaced by T.
Protein change: p.Leu521Phe; replaces leucine 521 with phenylalanine.
Molecular consequence: missense variant. On other transcripts: intron variant (1).
Genome position (GRCh38, 1-based): chr2:32,250,303, G>A on the plus strand (C>T on the coding strand, the complement: NLRC4 is on the minus strand). VCF-style: chr2-32250303-G-A. GRCh37 (hg19) VCF-style: chr2-32475372-G-A.
Other names: c.1561C>T, p.Leu521Phe (NM_001199139.2, NM_021209.5); c.262+2116C>T (NM_001302504.1); short protein forms L521F.
Identifiers: ClinVar variation 2940971 (VCV002940971.3), dbSNP rs780806427, ClinGen allele CA1601968.

ClinVar aggregate classification (germline): Uncertain significance (1 of 4 stars; one submission).

Conditions:
Periodic fever-infantile enterocolitis-autoinflammatory syndrome. Also called: Autoinflammation with infantile enterocolitis. Identifiers: Orphanet 436166, MedGen C4015067, MONDO:0014472, OMIM 616050.
Familial cold autoinflammatory syndrome 4 (FCAS4). Identifiers: Orphanet 47045, Orphanet 576349, MedGen C4015276, MONDO:0014498, OMIM 616115.

Allele frequency attached by ClinVar (database versions not stated): ExAC 0.00001.
gnomAD v4.1: 9 of 1,614,198 alleles (0.00056%); highest among the groups gnomAD compares: Non-Finnish European, 0.00076%; no homozygotes.

Submission:

Labcorp Genetics (formerly Invitae), Labcorp
Classification: Uncertain significance for Periodic fever-infantile enterocolitis-autoinflammatory syndrome; Familial cold autoinflammatory syndrome 4. Last evaluated: 2023-04-10. Review status: criteria provided, single submitter. Criteria: Invitae Variant Classification Sherloc (09022015). Collection method: clinical testing. Allele origin: germline.
Comment: This variant has not been reported in the literature in individuals affected with NLRC4-related conditions. This variant is present in population databases (rs780806427, gnomAD 0.003%). This sequence change replaces leucine, which is neutral and non-polar, with phenylalanine, which is neutral and non-polar, at codon 521 of the NLRC4 protein (p.Leu521Phe). In summary, the available evidence is currently insufficient to determine the role of this variant in disease. Therefore, it has been classified as a Variant of Uncertain Significance. Advanced modeling of protein sequence and biophysical properties (such as structural, functional, and spatial information, amino acid conservation, physicochemical variation, residue mobility, and thermodynamic stability) performed at Invitae indicates that this missense variant is not expected to disrupt NLRC4 protein function.